The following is an entry in ClinVar:

ClinVar aggregate classification (germline): Uncertain significance (1 of 4 stars; one submission).

Submission:

Ambry Genetics
Classification: Uncertain significance. Last evaluated: 2024-12-04. Review status: criteria provided, single submitter. Criteria: Ambry Variant Classification Scheme 2023. Collection method: clinical testing. Allele origin: germline.
Comment: The p.N109T variant (also known as c.326A>C), located in coding exon 4 of the RINT1 gene, results from an A to C substitution at nucleotide position 326. The asparagine at codon 109 is replaced by threonine, an amino acid with similar properties. This amino acid position is conserved. In addition, this alteration is predicted to be tolerated by in silico analysis. Based on the available evidence, the clinical significance of this variant remains unclear.

NM_021930.6(RINT1):c.326A>C (p.Asn109Thr)

Gene: RINT1 (RAD50 interactor 1; plus strand). Cytogenetic location: 7q22.3.
Variant type: single nucleotide variant.
Coding change: c.326A>C on transcript NM_021930.6 (MANE Select); coding-DNA position 326, A replaced by C.
Protein change: p.Asn109Thr; replaces asparagine 109 with threonine.
Molecular consequence: missense variant. On other transcripts: 5 prime UTR variant (3), non-coding transcript variant (1).
Genome position (GRCh38, 1-based): chr7:105,542,460, A>C. VCF-style: chr7-105542460-A-C. GRCh37 (hg19) VCF-style: chr7-105182907-A-C.
Other names: c.92A>C, p.Asn31Thr (NM_001346599.2); c.-694A>C (NM_001346600.2); c.-597A>C (NM_001346601.2); c.-217A>C (NM_001346603.2); short protein forms N31T, N109T.
Identifiers: ClinVar variation 3433671 (VCV003433671.1).